The following is an entry in ClinVar:

ClinVar aggregate classification (germline): Likely pathogenic. Review status: criteria provided, multiple submitters, no conflicts (2 of 4 stars). 6 submissions from 6 submitters: Likely pathogenic (6). Last evaluated 2026-08-06.

Conditions:
Familial ovarian cancer. Identifiers: MedGen C5679802, MONDO:0016248.
Familial cancer of breast. Also called: Hereditary breast cancer; BREAST CANCER, FAMILIAL; hereditary breast carcinoma. Identifiers: Orphanet 227535, MedGen C0346153, MONDO:0016419, OMIM 114480. Disease mechanism: loss of function.
Fanconi anemia complementation group J. Also called: BRIP1-Related Fanconi Anemia. Identifiers: Orphanet 84, MedGen C1836860, MONDO:0012187, OMIM 609054.
Hereditary cancer-predisposing syndrome. Also called: Tumor predisposition; Neoplastic Syndromes, Hereditary; Hereditary Cancer Syndrome; Hereditary neoplastic syndrome. Identifiers: Orphanet 140162, MedGen C0027672, MeSH D009386, MONDO:0015356.

Submissions (6):

Myriad Genetics, Inc.
Classification: Likely pathogenic for Familial ovarian cancer. Last evaluated: 2026-08-06. Review status: criteria provided, single submitter. Criteria: Myriad Autosomal Dominant, Autosomal Recessive and X-Linked Classification Criteria (2023). Collection method: clinical testing. Allele origin: unknown.
Comment: This variant is considered likely pathogenic. This variant occurs within a consensus splice junction and is predicted to result in abnormal mRNA splicing of either an out-of-frame exon or an in-frame exon necessary for protein stability and/or normal function.

Institute for Biomarker Research, Medical Diagnostic Laboratories, L.L.C.
Classification: Likely pathogenic for Hereditary cancer-predisposing syndrome. Last evaluated: 2025-11-03. Review status: criteria provided, single submitter. Criteria: ACMG Guidelines, 2015. Collection method: clinical testing. Allele origin: germline.
Comment: The splice donor variant NM_032043.3(BRIP1):c.1140+1G>A has been reported to ClinVar as Likely pathogenic with a status of (2 stars) criteria provided, multiple submitters, no conflicts (Accession: VCV000491401.15). The c.1140+1G>A variant is novel (not in any individuals) in gnomAD. This variant mutates a splice-donor sequence, potentially resulting in the retention of large segments of intronic DNA by the mRNA and nonfunctional proteins. This variant disrupts the donor splice site for an exon upstream from the penultimate exon junction and is therefore predicted to cause nonsense mediated decay. The c.1140+1G>A variant is a loss of function variant in the gene BRIP1, which is intolerant of Loss of Function variants, as indicated by the presence of existing pathogenic loss of function variant NP_114432.2:p.M1V and 663 others. For these reasons, this variant has been classified as Likely Pathogenic.

Ambry Genetics
Classification: Likely pathogenic for Hereditary cancer-predisposing syndrome. Last evaluated: 2024-12-05. Review status: criteria provided, single submitter. Criteria: Ambry Variant Classification Scheme 2023. Collection method: clinical testing. Allele origin: germline.
Comment: The c.1140+1G>A intronic variant results from a G to A substitution one nucleotide after coding exon 7 of the BRIP1 gene. Alterations that disrupt the canonical splice site are expected to result in aberrant splicing. In silico splice site analysis predicts that this alteration will weaken the native splice donor site. A resulting transcript is predicted to be in-frame and is not expected to trigger nonsense-mediated mRNAdecay; although, direct evidence is unavailable. However, the region predicted to be impacted is critical for protein function (Ambry internal data). This variant is considered to be rare based on population cohorts in the Genome Aggregation Database (gnomAD). This nucleotide position is highly conserved in available vertebrate species. Based on the majority of available evidence to date, this variant is likely to be pathogenic.

Baylor Genetics
Classification: Likely pathogenic for Familial cancer of breast. Last evaluated: 2024-02-06. Review status: criteria provided, single submitter. Criteria: ACMG Guidelines, 2015. Collection method: clinical testing. Allele origin: unknown.

Labcorp Genetics (formerly Invitae), Labcorp
Classification: Likely pathogenic for Familial cancer of breast; Fanconi anemia complementation group J. Last evaluated: 2023-02-01. Review status: criteria provided, single submitter. Criteria: Invitae Variant Classification Sherloc (09022015). Collection method: clinical testing. Allele origin: germline.
Comment: Algorithms developed to predict the effect of sequence changes on RNA splicing suggest that this variant may disrupt the consensus splice site. In summary, the currently available evidence indicates that the variant is pathogenic, but additional data are needed to prove that conclusively. Therefore, this variant has been classified as Likely Pathogenic. ClinVar contains an entry for this variant (Variation ID: 491401). Disruption of this splice site has been observed in individual(s) with ovarian cancer (PMID: 32522261). This variant is not present in population databases (gnomAD no frequency). This sequence change affects a donor splice site in intron 8 of the BRIP1 gene. It is expected to disrupt RNA splicing. Variants that disrupt the donor or acceptor splice site typically lead to a loss of protein function (PMID: 16199547), and loss-of-function variants in BRIP1 are known to be pathogenic (PMID: 16116423, 17033622, 21964575).

Color Diagnostics, LLC DBA Color Health
Classification: Likely pathogenic for Hereditary cancer-predisposing syndrome. Last evaluated: 2020-02-26. Review status: criteria provided, single submitter. Criteria: ACMG Guidelines, 2015. Collection method: clinical testing. Allele origin: germline.
Comment: This variant causes a G to A nucleotide substitution at the +1 position of intron 8 of the BRIP1 gene. Splice site prediction tools predict that this variant may have a significant impact on RNA splicing. Although this prediction has not been confirmed in published RNA studies, this variant is expected to result in an absent or disrupted protein product. To our knowledge, functional studies have not been reported for this variant. This variant has not been reported in individuals affected with hereditary cancer in the literature. This variant has not been identified in the general population by the Genome Aggregation Database (gnomAD). Loss of BRIP1 function is a known mechanism of disease. Based on the available evidence, this variant is classified as Likely Pathogenic.

Literature cited by the submitters: PubMed 32522261 (cited by Labcorp Genetics (formerly Invitae), Labcorp); PubMed 16199547 (cited by Labcorp Genetics (formerly Invitae), Labcorp); PubMed 16116423 (cited by Labcorp Genetics (formerly Invitae), Labcorp); PubMed 17033622 (cited by Labcorp Genetics (formerly Invitae), Labcorp); PubMed 21964575 (cited by Labcorp Genetics (formerly Invitae), Labcorp).

NM_032043.3(BRIP1):c.1140+1G>A

Gene: BRIP1 (BRCA1 interacting DNA helicase 1; minus strand). Cytogenetic location: 17q23.2.
Variant type: single nucleotide variant.
Coding change: c.1140+1G>A on transcript NM_032043.3 (MANE Select); the canonical splice donor site of the intron after coding-DNA position 1140, G replaced by A.
Molecular consequence: splice donor variant.
Genome position (GRCh38, 1-based): chr17:61,801,252, C>T on the plus strand (G>A on the coding strand, the complement: BRIP1 is on the minus strand). VCF-style: chr17-61801252-C-T. GRCh37 (hg19) VCF-style: chr17-59878613-C-T.
Identifiers: ClinVar variation 491401 (VCV000491401.18), dbSNP rs1555607628, ClinGen allele CA400483848.